The following is an entry in ClinVar:

NM_004369.4(COL6A3):c.8822C>T (p.Ala2941Val)

Gene: COL6A3 (collagen type VI alpha 3 chain; minus strand). Cytogenetic location: 2q37.3.
Variant type: single nucleotide variant.
Coding change: c.8822C>T on transcript NM_004369.4 (MANE Select); coding-DNA position 8822, C replaced by T.
Protein change: p.Ala2941Val; replaces alanine 2941 with valine.
Molecular consequence: missense variant.
Genome position (GRCh38, 1-based): chr2:237,336,278, G>A on the plus strand (C>T on the coding strand, the complement: COL6A3 is on the minus strand). VCF-style: chr2-237336278-G-A. GRCh37 (hg19) VCF-style: chr2-238244921-G-A.
Other names: c.7001C>T, p.Ala2334Val (NM_057166.5); c.8204C>T, p.Ala2735Val (NM_057167.4); short protein forms A2735V, A2334V.
Identifiers: ClinVar variation 95010 (VCV000095010.49), dbSNP rs11903206, ClinGen allele CA148075.
Genomic context (GRCh38, chr2:237,336,278, plus strand): 5'-TTTGCAGCAGCAGCAGCGGGGGGTCTTACAGCTGCTGGCTTTGCTGCTACAGGCTTCGCT[G>A]CCGTTGCTGGCTTCACCGCCACTGGGGGTCTAACAGTGGCCATCTTTGTGGCCACAGGCT-3'
Protein context (NP_004360.2, residues 2931-2951): RPPVAVKPAT[Ala2941Val]AKPVAAKPAA

ClinVar aggregate classification (germline): Benign/Likely benign. Review status: criteria provided, multiple submitters, no conflicts (2 of 4 stars). 12 submissions from 12 submitters: Benign (6); Likely benign (3). 3 of the submissions do not count toward it. Last evaluated 2026-09-01.

Conditions:
Collagen 6-related myopathy. Identifiers: MedGen CN117976, MONDO:0100225.
Bethlem myopathy 1A. Also called: MYOPATHY, BENIGN CONGENITAL, WITH CONTRACTURES; Bethlem myopathy 1; Bethlem Muscular Dystrophy. Identifiers: Orphanet 610, MedGen CN029274, MONDO:0024530, OMIM 158810.

Allele frequency attached by ClinVar (database versions not stated): gnomAD 0.01334; 1000 Genomes Project 30x 0.01811; gnomAD exomes 0.00156 and 0.00386; ExAC 0.00466; ESP Exome Variant Server 0.01462; TOPMed 0.01519; 1000 Genomes Project 0.01617.
gnomAD v4.1: 4,469 of 1,614,046 alleles (0.28%); highest among the groups gnomAD compares: African/African-American, 4.6%; 96 homozygotes.

Submissions (12):

CeGaT Center for Human Genetics Tuebingen
Classification: Benign. Last evaluated: 2026-09-01. Review status: criteria provided, single submitter. Criteria: CeGaT Center For Human Genetics Tuebingen Variant Classification Criteria Version 2. Collection method: clinical testing. Allele origin: germline. Affected: yes. Observed: 10 variant alleles.
Comment: COL6A3: BP4, BS1, BS2

Labcorp Genetics (formerly Invitae), Labcorp
Classification: Benign for Bethlem myopathy 1A. Last evaluated: 2026-02-02. Review status: criteria provided, single submitter. Criteria: Invitae Variant Classification Sherloc (09022015). Collection method: clinical testing. Allele origin: germline.

Athena Diagnostics
Classification: Benign. Last evaluated: 2024-06-10. Review status: criteria provided, single submitter. Criteria: Athena Diagnostics Criteria. Collection method: clinical testing. Allele origin: unknown.

Mayo Clinic Laboratories, Mayo Clinic
Classification: Benign. Last evaluated: 2023-02-09. Review status: criteria provided, single submitter. Criteria: ACMG Guidelines, 2015. Collection method: clinical testing. Allele origin: germline. Observed: 3 variant alleles.
Comment: BS1, BS2, BP4_stand-alone

Illumina Laboratory Services, Illumina
Classification: Likely benign for Collagen VI-related myopathy. Last evaluated: 2017-04-27. Review status: criteria provided, single submitter. Criteria: ICSL Variant Classification Criteria 13 December 2019. Collection method: clinical testing. Allele origin: germline.
Comment: This variant was observed as part of a predisposition screen in an ostensibly healthy population. A literature search was performed for the gene, cDNA change, and amino acid change (where applicable). No publications were found based on this search. Allele frequency data from public databases allowed determination this variant is unlikely to cause disease. Therefore, this variant is classified as likely benign.

GeneDx
Classification: Benign. Last evaluated: 2016-08-16. Review status: criteria provided, single submitter. Criteria: GeneDx Variant Classification (06012015). Collection method: clinical testing. Allele origin: germline. Affected: yes.
Comment: This variant is considered likely benign or benign based on one or more of the following criteria: it is a conservative change, it occurs at a poorly conserved position in the protein, it is predicted to be benign by multiple in silico algorithms, and/or has population frequency not consistent with disease.

PreventionGenetics, part of Exact Sciences
Classification: Likely benign. Last evaluated: 2016-04-01. Review status: criteria provided, single submitter. Criteria: ACMG Guidelines, 2015. Collection method: clinical testing. Allele origin: germline.

Eurofins Ntd Llc (ga)
Classification: Benign. Last evaluated: 2012-07-17. Review status: criteria provided, single submitter. Criteria: EGL Classification Definitions 2015. Collection method: clinical testing. Allele origin: germline. Observed: 3 variant alleles, 3 heterozygotes.

Breakthrough Genomics
Classification: Likely benign. Review status: criteria provided, single submitter. Criteria: ACMG Guidelines, 2015. Collection method: not provided. Allele origin: germline. Inheritance: Autosomal recessive inheritance. Affected: yes.

Clinical Genetics, Academic Medical Center
Classification: Benign. Review status: no assertion criteria provided. Collection method: clinical testing. Allele origin: germline. Affected: yes. Study: VKGL Data-share Consensus. Not counted in ClinVar's aggregate classification.

Genetic Services Laboratory, University of Chicago
Classification: Likely benign for AllHighlyPenetrant. Review status: no assertion criteria provided. Collection method: clinical testing. Allele origin: germline. Not counted in ClinVar's aggregate classification.
Comment: Likely benign based on allele frequency in 1000 Genomes Project or ESP global frequency and its presence in a patient with a rare or unrelated disease phenotype. NOT Sanger confirmed.

Laboratory of Diagnostic Genome Analysis, Leiden University Medical Center (LUMC)
Classification: Likely benign. Review status: no assertion criteria provided. Collection method: clinical testing. Allele origin: germline. Affected: yes. Study: VKGL Data-share Consensus. Not counted in ClinVar's aggregate classification.

Literature cited by the submitters: PubMed 20976770 (cited by Athena Diagnostics); PubMed 16141002 (cited by Athena Diagnostics); PubMed 15689448 (cited by Athena Diagnostics and Mayo Clinic Laboratories, Mayo Clinic).